The following is an entry in ClinVar:

ClinVar aggregate classification (germline): Likely pathogenic (1 of 4 stars; one submission).

Conditions:
ACTH-independent macronodular adrenal hyperplasia 2. Also called: PRIMARY MACRONODULAR ADRENAL HYPERPLASIA. Identifiers: Orphanet 189427, MedGen C4014803, MONDO:0014416, OMIM 615954.

Submission:

Clinical Genomics, G42 Labs
Classification: Likely pathogenic for ACTH-independent macronodular adrenal hyperplasia 2. Last evaluated: 2026-03-17. Review status: criteria provided, single submitter. Criteria: ACMG Guidelines, 2015. Collection method: clinical testing. Allele origin: germline. Inheritance: Autosomal dominant inheritance. Affected: yes. Observed: 1 variant allele, 1 heterozygote.
Comment: The c.1118del, p.(Leu373HisfsTer2) variant is a frameshift in the ARMC5 gene, thereby leading to premature truncation of the protein at 2 amino acids downstream to codon 373. Loss of function is a known disease mechanism in the ARMC5 gene (PMID: 26604299, 35687106). The variant is absent from controls in the gnomAD population database (gnomAD v4.1.0). To the best of our knowledge this variant has not been reported in the literature. Based on the available evidence, this variant has been classified as likely pathogenic.

Literature cited by the submitters: PubMed 26604299; PubMed 35687106.

NM_001105247.2(ARMC5):c.1118del (p.Leu373fs)

Gene: ARMC5 (armadillo repeat containing 5; plus strand). Cytogenetic location: 16p11.2.
Variant type: Deletion.
Coding change: c.1118del on transcript NM_001105247.2 (MANE Select); coding-DNA position 1118, one base deleted (T; older notation c.1118delT).
Protein change: p.Leu373fs; shifts the reading frame from leucine 373.
Molecular consequence: frameshift variant.
Genome position (GRCh38, 1-based): chr16:31,462,665, T deleted. VCF-style (leftmost placement, unchanged base first): chr16-31462664-CT-C. GRCh37 (hg19) VCF-style: chr16-31473985-CT-C.
Other names: c.1403del, p.Leu468fs (NM_001288767.2); c.1214del, p.Leu405fs (NM_001301820.1); c.1118del, p.Leu373fs (NM_024742.2); short protein forms L373fs, L405fs, L468fs.
Identifiers: ClinVar variation 4823901 (VCV004823901.1).